The following is an entry in ClinVar:

ClinVar aggregate classification (germline): Uncertain significance (1 of 4 stars; one submission).

Submission:

Labcorp Genetics (formerly Invitae), Labcorp
Classification: Uncertain significance. Last evaluated: 2022-08-11. Review status: criteria provided, single submitter. Criteria: Invitae Variant Classification Sherloc (09022015). Collection method: clinical testing. Allele origin: germline.
Comment: In summary, the available evidence is currently insufficient to determine the role of this variant in disease. Therefore, it has been classified as a Variant of Uncertain Significance. Experimental studies and prediction algorithms are not available or were not evaluated, and the effect of this variant on mRNA splicing is currently unknown. This variant has not been reported in the literature in individuals affected with CCDC88A-related conditions. Information on the frequency of this variant in the gnomAD database is not available, as this variant may be reported differently in the database. This sequence change falls in intron 7 of the CCDC88A gene. It does not directly change the encoded amino acid sequence of the CCDC88A protein.

NM_001365480.1(CCDC88A):c.627+9_627+10delinsGT

Gene: CCDC88A (coiled-coil and HOOK domain protein 88A; minus strand). Cytogenetic location: 2p16.1.
Variant type: Indel.
Coding change: c.627+9_627+10delinsGT on transcript NM_001365480.1 (MANE Select); bases 9 to 10 of the intron after coding-DNA position 627, AA replaced by GT.
Molecular consequence: intron variant.
Genome position (GRCh38, 1-based): chr2:55,362,298-55,362,299, TT replaced by AC on the plus strand (AA replaced by GT on the coding strand, the reverse complement: CCDC88A is on the minus strand). VCF-style: chr2-55362298-TT-AC. GRCh37 (hg19) VCF-style: chr2-55589434-TT-AC.
Other names: c.627+9_627+10delinsGT (NM_001254943.2, NM_001135597.2, NM_018084.5).
Identifiers: ClinVar variation 2017073 (VCV002017073.4), dbSNP rs2544943067, ClinGen allele CA2580067389.